The following is an entry in ClinVar:

ClinVar aggregate classification (germline): Uncertain significance (1 of 4 stars; one submission).

Conditions:
Dyskeratosis congenita. Identifiers: Orphanet 1775, MedGen C0265965, MONDO:0015780.

Allele frequency attached by ClinVar (database versions not stated): gnomAD exomes below 0.00001.
gnomAD v4.1: 1 of 1,583,674 alleles (0.000063%); highest among the groups gnomAD compares: South Asian, 0.0011%; no homozygotes.

Submission:

Labcorp Genetics (formerly Invitae), Labcorp
Classification: Uncertain significance for Dyskeratosis congenita. Last evaluated: 2023-02-10. Review status: criteria provided, single submitter. Criteria: Invitae Variant Classification Sherloc (09022015). Collection method: clinical testing. Allele origin: germline.
Comment: This variant has not been reported in the literature in individuals affected with CTC1-related conditions. This sequence change replaces threonine, which is neutral and polar, with isoleucine, which is neutral and non-polar, at codon 884 of the CTC1 protein (p.Thr884Ile). This variant is not present in population databases (gnomAD no frequency). Advanced modeling of protein sequence and biophysical properties (such as structural, functional, and spatial information, amino acid conservation, physicochemical variation, residue mobility, and thermodynamic stability) performed at Invitae indicates that this missense variant is expected to disrupt CTC1 protein function. In summary, the available evidence is currently insufficient to determine the role of this variant in disease. Therefore, it has been classified as a Variant of Uncertain Significance.

NM_025099.6(CTC1):c.2651C>T (p.Thr884Ile)

Gene: CTC1 (CST telomere replication complex component 1; minus strand). Cytogenetic location: 17p13.1.
Variant type: single nucleotide variant.
Coding change: c.2651C>T on transcript NM_025099.6 (MANE Select); coding-DNA position 2651, C replaced by T.
Protein change: p.Thr884Ile; replaces threonine 884 with isoleucine.
Molecular consequence: missense variant. On other transcripts: non-coding transcript variant (1).
Genome position (GRCh38, 1-based): chr17:8,231,294, G>A on the plus strand (C>T on the coding strand, the complement: CTC1 is on the minus strand). VCF-style: chr17-8231294-G-A. GRCh37 (hg19) VCF-style: chr17-8134612-G-A.
Other names: c.2651C>T, p.Thr884Ile (NM_001411067.1); short protein forms T884I.
Identifiers: ClinVar variation 2836076 (VCV002836076.3), dbSNP rs2507889640, ClinGen allele CA397975314.